The following is an entry in ClinVar:

NM_007194.4(CHEK2):c.1476_1480del (p.Arg493fs)

Gene: CHEK2 (checkpoint kinase 2; minus strand). Cytogenetic location: 22q12.1.
Variant type: Deletion.
Coding change: c.1476_1480del on transcript NM_007194.4 (MANE Select); coding-DNA positions 1476 to 1480, 5 bases deleted (GAGAA; older notation c.1476_1480delGAGAA).
Protein change: p.Arg493fs; shifts the reading frame from arginine 493.
Molecular consequence: frameshift variant.
Genome position (GRCh38, 1-based): chr22:28,689,197-28,689,201, TTCTC deleted on the plus strand (GAGAA on the coding strand, the reverse complement: CHEK2 is on the minus strand); deleting any 5 consecutive bases within chr22:28,689,197-28,689,204 gives the same sequence; the c. name uses the placement nearest the transcript's 3' end. VCF-style (leftmost placement, unchanged base first): chr22-28689196-TTTCTC-T. GRCh37 (hg19) VCF-style: chr22-29085184-TTTCTC-T.
Other names: c.1602_1606delGAAGA, p.Arg536Valfs (NM_001005735.3); c.810_814delGAAGA, p.Arg272Valfs (NM_001257387.3); c.1272_1276delGAAGA, p.Arg426Valfs (NM_001349956.3); c.1386_1390delGAAGA, p.Arg464Valfs (NM_145862.3); short protein forms R272fs, R426fs, R464fs, R493fs, R536fs.
Identifiers: ClinVar variation 1049755 (VCV001049755.2), dbSNP rs2145750415, ClinGen allele CA2499226049.

ClinVar aggregate classification (germline): Likely pathogenic (0 of 4 stars; one submission).

Conditions:
Malignant tumor of breast. Also called: Malignant breast neoplasm; Cancer breast. Identifiers: MedGen C0006142, MONDO:0007254. Disease mechanism: loss of function.

Submission:

Department of Pathology and Laboratory Medicine, Sinai Health System
Classification: Likely pathogenic for Malignant tumor of breast. Review status: no assertion criteria provided. Collection method: clinical testing. Allele origin: unknown. Affected: yes. Study: The Canadian Open Genetics Repository (COGR).
Comment: The CHEK2 p.Arg493Valfs*7 variant was not identified in the literature nor was it identified in the dbSNP, ClinVar, Cosmic, Zhejiang University database, the Exome Aggregation Consortium (August 8th 2016) or the Genome Aggregation Database (Feb 27, 2017). The c.1476_1480del variant is predicted to cause a frameshift, which alters the protein's amino acid sequence beginning at codon 493 and leads to a premature stop codon at position 499. This alteration is then predicted to result in a truncated or absent protein and loss of function. Loss of function variants of the CHEK2 gene are an established mechanism of disease in CHEK2-associated cancer and is the type of variant expected to cause the disorder. In summary, based on the above information, the clinical significance of this variant cannot be determined with certainty at this time although we would lean towards a more pathogenic role for this variant. This variant is classified as likely pathogenic.